The following is an entry in ClinVar:

NM_000257.4(MYH7):c.2940G>C (p.Glu980Asp)

Gene: MYH7 (myosin heavy chain 7; minus strand). Cytogenetic location: 14q11.2.
Variant type: single nucleotide variant.
Coding change: c.2940G>C on transcript NM_000257.4 (MANE Select); coding-DNA position 2940, G replaced by C.
Protein change: p.Glu980Asp; replaces glutamic acid 980 with aspartic acid.
Molecular consequence: missense variant.
Genome position (GRCh38, 1-based): chr14:23,423,706, C>G on the plus strand (G>C on the coding strand, the complement: MYH7 is on the minus strand). VCF-style: chr14-23423706-C-G. GRCh37 (hg19) VCF-style: chr14-23892915-C-G.
Other names: c.2940G>C, p.Glu980Asp (NM_001407004.1); short protein forms E980D.
Identifiers: ClinVar variation 3072705 (VCV003072705.1), dbSNP rs2502278287, ClinGen allele CA389046482.

ClinVar aggregate classification (germline): Uncertain significance (1 of 4 stars; one submission).

Conditions:
Cardiomyopathy (CMYO). Also called: Cardiomyopathies. Identifiers: Orphanet 167848, MedGen C0878544, MONDO:0004994, HP:0001638. Inheritance: Various modes of inheritance.

Submission:

All of Us Research Program, National Institutes of Health
Classification: Uncertain significance for Cardiomyopathy. Last evaluated: 2023-08-15. Review status: criteria provided, single submitter. Criteria: ACMG Guidelines, 2015. Collection method: clinical testing. Allele origin: germline. Inheritance: Autosomal dominant inheritance. Observed: 1 variant allele, 1 heterozygote.
Comment: This missense variant replaces glutamic acid with aspartic acid at codon 980 of the MYH7 protein. Computational prediction suggests that this variant may not impact protein structure and function (internally defined REVEL score threshold <= 0.5, PMID: 27666373). To our knowledge, functional studies have not been reported for this variant. This variant has not been reported in individuals affected with MYH7-related disorders in the literature. This variant has not been identified in the general population by the Genome Aggregation Database (gnomAD). The available evidence is insufficient to determine the role of this variant in disease conclusively. Therefore, this variant is classified as a Variant of Uncertain Significance.

This study involves interpretation of variants in research participants for the purpose of population health screening. Participant phenotype was not available at the time of variant classification. Additional details can be found in publication PMID: 35346344, PMCID: PMC8962531